The following is an entry in ClinVar:

ClinVar aggregate classification (germline): Uncertain significance (1 of 4 stars; one submission).

Submission:

GeneDx
Classification: Uncertain significance. Last evaluated: 2024-05-22. Review status: criteria provided, single submitter. Criteria: GeneDx Variant Classification Process June 2021. Collection method: clinical testing. Allele origin: germline. Affected: yes.
Comment: Not observed at significant frequency in large population cohorts (gnomAD); In silico analysis indicates that this missense variant does not alter protein structure/function; Has not been previously published as pathogenic or benign to our knowledge

NM_001165963.4(SCN1A):c.4492A>C (p.Ile1498Leu)

Genes: SCN1A (sodium voltage-gated channel alpha subunit 1; minus strand), LOC102724058 (uncharacterized LOC102724058; plus strand). Cytogenetic location: 2q24.3.
Variant type: single nucleotide variant.
Coding change: c.4492A>C on transcript NM_001165963.4 (MANE Select); coding-DNA position 4492, A replaced by C.
Protein change: p.Ile1498Leu; replaces isoleucine 1498 with leucine.
Molecular consequence: missense variant. On other transcripts: non-coding transcript variant (1).
Genome position (GRCh38, 1-based): chr2:165,996,102, T>G on the plus strand (A>C on the coding strand, the complement: SCN1A is on the minus strand). VCF-style: chr2-165996102-T-G. GRCh37 (hg19) VCF-style: chr2-166852612-T-G.
Other names: c.4408A>C, p.Ile1470Leu (NM_001165964.3, NM_001353957.2, NM_001353958.2); c.4492A>C, p.Ile1498Leu (NM_001202435.3, NM_001353948.2); c.4459A>C, p.Ile1487Leu (NM_001353949.2, NM_001353950.2, NM_001353951.2 and 2 more transcripts); c.4456A>C, p.Ile1486Leu (NM_001353954.2, NM_001353955.2); c.4405A>C, p.Ile1469Leu (NM_001353960.2); c.2050A>C, p.Ile684Leu (NM_001353961.2); short protein forms I1469L, I1470L, I1486L, I1487L, I1498L, I684L.
Identifiers: ClinVar variation 3381616 (VCV003381616.1).